The following is an entry in ClinVar:

NM_024312.5(GNPTAB):c.3678_3680del (p.Phe1228del)

Gene: GNPTAB (N-acetylglucosamine-1-phosphate transferase subunits alpha and beta; minus strand). Cytogenetic location: 12q23.2.
Variant type: Deletion.
Coding change: c.3678_3680del on transcript NM_024312.5 (MANE Select); coding-DNA positions 3678 to 3680, 3 bases deleted (ATT; older notation c.3678_3680delATT).
Protein change: p.Phe1228del; deletes phenylalanine 1228.
Molecular consequence: inframe deletion.
Genome position (GRCh38, 1-based): chr12:101,749,114-101,749,116, AAT deleted on the plus strand (ATT on the coding strand, the reverse complement: GNPTAB is on the minus strand). VCF-style (leftmost placement, unchanged base first): chr12-101749113-AAAT-A. GRCh37 (hg19) VCF-style: chr12-102142891-AAAT-A.
Other names: short protein forms F1228del.
Identifiers: ClinVar variation 2021189 (VCV002021189.4), dbSNP rs2547948054, ClinGen allele CA2580085655.

ClinVar aggregate classification (germline): Uncertain significance (1 of 4 stars; one submission).

Conditions:
Pseudo-Hurler polydystrophy. Also called: MUCOLIPIDOSIS IIIA; ML III; ML III ALPHA/BETA; Type III Mucolipidosis; ML IIIA; Mucolipidosis III Alpha/Beta. Identifiers: Orphanet 423461, Orphanet 577, MedGen C0033788, MONDO:0018931, OMIM 252600.
Mucolipidosis type II. Also called: Mucolipidosis II Alpha/Beta; ML II ALPHA/BETA; Mucolipidosis 2; ML 2; Inclusion cell disease; Leroy Disease. Identifiers: Orphanet 576, MedGen C2673377, MONDO:0009650, OMIM 252500.

Submission:

Labcorp Genetics (formerly Invitae), Labcorp
Classification: Uncertain significance for Pseudo-Hurler polydystrophy; Mucolipidosis type II. Last evaluated: 2022-11-01. Review status: criteria provided, single submitter. Criteria: Invitae Variant Classification Sherloc (09022015). Collection method: clinical testing. Allele origin: germline.
Comment: In summary, the available evidence is currently insufficient to determine the role of this variant in disease. Therefore, it has been classified as a Variant of Uncertain Significance. Experimental studies and prediction algorithms are not available or were not evaluated, and the functional significance of this variant is currently unknown. This variant has not been reported in the literature in individuals affected with GNPTAB-related conditions. This variant is not present in population databases (gnomAD no frequency). This variant, c.3678_3680del, results in the deletion of 1 amino acid(s) of the GNPTAB protein (p.Phe1228del), but otherwise preserves the integrity of the reading frame.